The following is an entry in ClinVar:

NM_005732.4(RAD50):c.1972A>T (p.Met658Leu)

Gene: RAD50 (RAD50 double strand break repair protein; plus strand). Cytogenetic location: 5q31.1.
Variant type: single nucleotide variant.
Coding change: c.1972A>T on transcript NM_005732.4 (MANE Select); coding-DNA position 1972, A replaced by T.
Protein change: p.Met658Leu; replaces methionine 658 with leucine.
Molecular consequence: missense variant.
Genome position (GRCh38, 1-based): chr5:132,595,575, A>T. VCF-style: chr5-132595575-A-T. GRCh37 (hg19) VCF-style: chr5-131931267-A-T.
Other names: short protein forms M658L.
Identifiers: ClinVar variation 480458 (VCV000480458.5), dbSNP rs587782450, ClinGen allele CA360949158.
Genomic context (GRCh38, chr5:132,595,575, plus strand): 5'-GAATACTGTATTTTATGTTTTTTTCTCATTGGTGATATAATTTATTTTCTTAAAATAGCC[A>T]TGCTGGCTGGAGCCACAGCAGTTTACTCCCAGTTCATTACTCAGCTAACAGACGAAAACC-3'
Protein context (NP_005723.2, residues 648-668): EIEKSSKQRA[Met658Leu]LAGATAVYSQ

ClinVar aggregate classification (germline): Uncertain significance (1 of 4 stars; one submission).

Conditions:
Hereditary cancer-predisposing syndrome. Also called: Hereditary Cancer Syndrome; Neoplastic Syndromes, Hereditary; Tumor predisposition; Hereditary neoplastic syndrome. Identifiers: Orphanet 140162, MedGen C0027672, MeSH D009386, MONDO:0015356.

gnomAD v4.1: 1 of 1,602,396 alleles (0.000062%); highest among the groups gnomAD compares: Non-Finnish European, 0.000086%; no homozygotes.

Submission:

Ambry Genetics
Classification: Uncertain significance for Hereditary cancer-predisposing syndrome. Last evaluated: 2016-10-11. Review status: criteria provided, single submitter. Criteria: Ambry Variant Classification Scheme 2023. Collection method: clinical testing. Allele origin: germline.
Comment: The p.M658L variant (also known as c.1972A>T), located in coding exon 13 of the RAD50 gene, results from an A to T substitution at nucleotide position 1972. The methionine at codon 658 is replaced by leucine, an amino acid with highly similar properties. This variant was not reported in population based cohorts in the following databases: Database of Single Nucleotide Polymorphisms (dbSNP), NHLBI Exome Sequencing Project (ESP), and 1000 Genomes Project. In the ESP, this variant was not observed in 6503 samples (13006 alleles) with coverage at this position. To date, this alteration has been detected with an allele frequency of approximately 0.001% (greater than 175000 alleles tested) in our clinical cohort. This amino acid position is well conserved in available vertebrate species. In addition, this alteration is predicted to be tolerated by in silico analysis. Since supporting evidence is limited at this time, the clinical significance of this alteration remains unclear.